The following is an entry in ClinVar:

ClinVar aggregate classification (germline): Uncertain significance. Review status: criteria provided, multiple submitters, no conflicts (2 of 4 stars). 2 submissions from 2 submitters: Uncertain significance (2). Last evaluated 2024-12-24.

Conditions:
Myopathy, centronuclear, 5 (CNM5). Identifiers: Orphanet 169186, MedGen C4014814, MONDO:0014418, OMIM 615959.

gnomAD v4.1: 5 of 1,612,260 alleles (0.00031%); highest among the groups gnomAD compares: Non-Finnish European, 0.00042%; no homozygotes.

Submissions (2):

Revvity Omics, Revvity
Classification: Uncertain significance for Myopathy, centronuclear, 5. Last evaluated: 2024-12-24. Review status: criteria provided, single submitter. Criteria: ACMG Guidelines, 2015. Collection method: clinical testing. Allele origin: germline.

Labcorp Genetics (formerly Invitae), Labcorp
Classification: Uncertain significance. Last evaluated: 2024-09-11. Review status: criteria provided, single submitter. Criteria: Invitae Variant Classification Sherloc (09022015). Collection method: clinical testing. Allele origin: germline.
Comment: This sequence change replaces valine, which is neutral and non-polar, with isoleucine, which is neutral and non-polar, at codon 274 of the SPEG protein (p.Val274Ile). The frequency data for this variant in the population databases is considered unreliable, as metrics indicate poor data quality at this position in the gnomAD database. This variant has not been reported in the literature in individuals affected with SPEG-related conditions. An algorithm developed to predict the effect of missense changes on protein structure and function outputs the following: PolyPhen-2: "Benign". The isoleucine amino acid residue is found in multiple mammalian species, which suggests that this missense change does not adversely affect protein function. In summary, the available evidence is currently insufficient to determine the role of this variant in disease. Therefore, it has been classified as a Variant of Uncertain Significance.

NM_005876.5(SPEG):c.820G>A (p.Val274Ile)

Gene: SPEG (striated muscle enriched protein kinase; plus strand). Cytogenetic location: 2q35.
Variant type: single nucleotide variant.
Coding change: c.820G>A on transcript NM_005876.5 (MANE Select); coding-DNA position 820, G replaced by A.
Protein change: p.Val274Ile; replaces valine 274 with isoleucine.
Molecular consequence: missense variant.
Genome position (GRCh38, 1-based): chr2:219,447,978, G>A. VCF-style: chr2-219447978-G-A. GRCh37 (hg19) VCF-style: chr2-220312700-G-A.
Other names: short protein forms V274I.
Identifiers: ClinVar variation 3605784 (VCV003605784.2).